The following is an entry in ClinVar:

NM_000202.8(IDS):c.260G>A (p.Ser87Asn)

Gene: IDS (iduronate 2-sulfatase; minus strand). Cytogenetic location: Xq28.
Variant type: single nucleotide variant.
Coding change: c.260G>A on transcript NM_000202.8 (MANE Select); coding-DNA position 260, G replaced by A.
Protein change: p.Ser87Asn; replaces serine 87 with asparagine.
Molecular consequence: missense variant. On other transcripts: non-coding transcript variant (1), intron variant (1).
Genome position (GRCh38, 1-based): chrX:149,503,470, C>T on the plus strand (G>A on the coding strand, the complement: IDS is on the minus strand). VCF-style: chrX-149503470-C-T. GRCh37 (hg19) VCF-style: chrX-148585000-C-T.
Other names: c.260G>A, p.Ser87Asn (NM_006123.5); c.15-25G>A (NM_001166550.4); short protein forms S87N.
Identifiers: ClinVar variation 3255637 (VCV003255637.4).

ClinVar aggregate classification (germline): Conflicting classifications of pathogenicity. Review status: criteria provided, conflicting classifications (1 of 4 stars). 2 submissions from 2 submitters: Likely pathogenic (1); Uncertain significance (1). Last evaluated 2024-06-07.

Conditions:
Mucopolysaccharidosis, MPS-II (MPS2). Also called: Hunter Syndrome; IDURONATE 2-SULFATASE DEFICIENCY; Mucopolysaccharidosis Type II; Mucopolysaccharidosis type 2; Attenuated MPS (subtype; formerly known as mild MPS II); Severe MPS II. Identifiers: Orphanet 580, Orphanet 79388, MedGen C0026705, MONDO:0010674, OMIM 309900.

Submissions (2):

Laboratory of Diagnosis and Therapy of Lysosomal Disorders, University of Padova
Classification: Likely pathogenic for Mucopolysaccharidosis, MPS-II. Last evaluated: 2024-06-07. Review status: criteria provided, single submitter. Criteria: ACMG Guidelines, 2015. Collection method: literature only. Allele origin: germline. Affected: yes. Observed: 2 variant alleles.
Comment: Absent from controls (or at low frequency) in gnomAD database (PM2_Moderate), Missense change at the same amino acid residue as a pathogenic variant (PM5_Moderate), Missense variant in a gene with a low rate of benign missense variation (PP2_Supporting), Multiple lines of computational evidence support a deleterious effect (PP3_Supporting), Patient’s phenotype or family history highly specific for the disease (PP4_Moderate)

Classification method: ACMG Guidelines [PMID:25741868] with modifications

Labcorp Genetics (formerly Invitae), Labcorp
Classification: Uncertain significance for Mucopolysaccharidosis, MPS-II. Last evaluated: 2024-02-02. Review status: criteria provided, single submitter. Criteria: Invitae Variant Classification Sherloc (09022015). Collection method: clinical testing. Allele origin: germline.
Comment: This sequence change replaces serine, which is neutral and polar, with asparagine, which is neutral and polar, at codon 87 of the IDS protein (p.Ser87Asn). This variant is not present in population databases (gnomAD no frequency). This missense change has been observed in individuals with mucopolysaccharidosis type II (PMID: 7728156, 24125893). Advanced modeling of protein sequence and biophysical properties (such as structural, functional, and spatial information, amino acid conservation, physicochemical variation, residue mobility, and thermodynamic stability) performed at Invitae indicates that this missense variant is expected to disrupt IDS protein function with a positive predictive value of 80%. Algorithms developed to predict the effect of sequence changes on RNA splicing suggest that this variant may create or strengthen a splice site. In summary, the available evidence is currently insufficient to determine the role of this variant in disease. Therefore, it has been classified as a Variant of Uncertain Significance.

Literature cited by the submitters: PubMed 24125893 (cited by Laboratory of Diagnosis and Therapy of Lysosomal Disorders, University of Padova and Labcorp Genetics (formerly Invitae), Labcorp); PubMed 7728156 (cited by Laboratory of Diagnosis and Therapy of Lysosomal Disorders, University of Padova and Labcorp Genetics (formerly Invitae), Labcorp).